The following is an entry in ClinVar:

ClinVar aggregate classification (germline): Uncertain significance (1 of 4 stars; one submission).

Allele frequency attached by ClinVar (database versions not stated): TOPMed below 0.00001; gnomAD 0.00001.
gnomAD v4.1: 1 of 1,613,728 alleles (0.000062%); highest among the groups gnomAD compares: African/African-American, 0.0013%; no homozygotes.

Submission:

Ambry Genetics
Classification: Uncertain significance. Last evaluated: 2024-08-28. Review status: criteria provided, single submitter. Criteria: Ambry Variant Classification Scheme 2023. Collection method: clinical testing. Allele origin: germline.
Comment: The p.L201V variant (also known as c.601C>G), located in coding exon 4 of the IDH1 gene, results from a C to G substitution at nucleotide position 601. The leucine at codon 201 is replaced by valine, an amino acid with highly similar properties. This amino acid position is conserved. In addition, the in silico prediction for this alteration is inconclusive. Since supporting evidence is limited at this time, the clinical significance of this alteration remains unclear.

NM_005896.4(IDH1):c.601C>G (p.Leu201Val)

Gene: IDH1 (isocitrate dehydrogenase (NADP(+)) 1; minus strand). Cytogenetic location: 2q34.
Variant type: single nucleotide variant.
Coding change: c.601C>G on transcript NM_005896.4 (MANE Select); coding-DNA position 601, C replaced by G.
Protein change: p.Leu201Val; replaces leucine 201 with valine.
Molecular consequence: missense variant.
Genome position (GRCh38, 1-based): chr2:208,243,524, G>C on the plus strand (C>G on the coding strand, the complement: IDH1 is on the minus strand). VCF-style: chr2-208243524-G-C. GRCh37 (hg19) VCF-style: chr2-209108248-G-C.
Other names: c.601C>G, p.Leu201Val (NM_001282386.1, NM_001282387.1); short protein forms L201V.
Identifiers: ClinVar variation 1751111 (VCV001751111.3), dbSNP rs1406219039, ClinGen allele CA350099280.